The following is an entry in ClinVar:

NM_203447.4(DOCK8):c.640C>T (p.Leu214=)

Gene: DOCK8 (dedicator of cytokinesis 8; plus strand). Cytogenetic location: 9p24.3.
Variant type: single nucleotide variant.
Coding change: c.640C>T on transcript NM_203447.4 (MANE Select); coding-DNA position 640, C replaced by T.
Protein change: p.Leu214=; no amino-acid change (leucine 214 retained).
Molecular consequence: synonymous variant.
Genome position (GRCh38, 1-based): chr9:312,065, C>T. VCF-style: chr9-312065-C-T. GRCh37 (hg19) VCF-style: chr9-312065-C-T.
Other names: p.Leu214=; c.436C>T, p.Leu146= (NM_001190458.2, NM_001193536.2).
Identifiers: ClinVar variation 676751 (VCV000676751.15), dbSNP rs150446322, ClinGen allele CA4957347.
Genomic context (GRCh38, chr9:312,065, plus strand): 5'-GTCACTGCCTGTGACTTTGACCTCCGCAGCCTGCAGCCTGACAAGCGGCTAGAAAACCTC[C>T]TGCAGCAAGTGAGTGCCGAGGACTTTGAGAAGCAGAACGAGGAGGCCCGGAGGACCAATA-3'
Protein context (NP_982272.2, residues 204-224): LQPDKRLENL[Leu214=]QQVSAEDFEK

ClinVar aggregate classification (germline): Benign/Likely benign. Review status: criteria provided, multiple submitters, no conflicts (2 of 4 stars). 5 submissions from 5 submitters: Benign (1); Likely benign (4). Last evaluated 2026-01-15.

Conditions:
Combined immunodeficiency due to DOCK8 deficiency (HIES2). Also called: HIES autosomal recessive; Hyper-IgE recurrent infection syndrome, autosomal recessive; HYPER-IgE SYNDROME 2, AUTOSOMAL RECESSIVE, WITH RECURRENT INFECTIONS; HYPER-IgE RECURRENT INFECTION SYNDROME 2, AUTOSOMAL RECESSIVE; DOCK8 Deficiency. Identifiers: Orphanet 217390, MedGen C4722305, MONDO:0009478, OMIM 243700.

Allele frequency attached by ClinVar (database versions not stated): 1000 Genomes Project 30x 0.00094; 1000 Genomes Project 0.00100; ESP Exome Variant Server 0.00108; TOPMed 0.00131; gnomAD 0.00143.
gnomAD v4.1: 414 of 1,614,220 alleles (0.026%); highest among the groups gnomAD compares: African/African-American, 0.51%; no homozygotes.

Submissions (5):

Labcorp Genetics (formerly Invitae), Labcorp
Classification: Benign for Combined immunodeficiency due to DOCK8 deficiency. Last evaluated: 2026-01-15. Review status: criteria provided, single submitter. Criteria: Invitae Variant Classification Sherloc (09022015). Collection method: clinical testing. Allele origin: germline.

Mayo Clinic Laboratories, Mayo Clinic
Classification: Likely benign. Last evaluated: 2025-09-26. Review status: criteria provided, single submitter. Criteria: ACMG Guidelines, 2015. Collection method: clinical testing. Allele origin: germline. Observed: 2 variant alleles.
Comment: BS1, BP4, BP7

Blueprint Genetics
Classification: Likely benign. Last evaluated: 2024-09-19. Review status: criteria provided, single submitter. Criteria: ACMG Guidelines, 2015. Collection method: clinical testing. Allele origin: germline.

GeneDx
Classification: Likely benign. Last evaluated: 2021-03-18. Review status: criteria provided, single submitter. Criteria: GeneDx Variant Classification Process June 2021. Collection method: clinical testing. Allele origin: germline. Affected: yes.

Breakthrough Genomics
Classification: Likely benign. Review status: criteria provided, single submitter. Criteria: ACMG Guidelines, 2015. Collection method: not provided. Allele origin: germline. Inheritance: Autosomal recessive inheritance. Affected: yes.